The following is an entry in ClinVar:

ClinVar aggregate classification (germline): Uncertain significance (1 of 4 stars; one submission).

Conditions:
Hereditary spastic paraplegia 61. Also called: Spastic paraplegia 61, autosomal recessive. Identifiers: Orphanet 401780, MedGen C3810294, MONDO:0014304, OMIM 615685.

Submission:

Labcorp Genetics (formerly Invitae), Labcorp
Classification: Uncertain significance for Spastic paraplegia 61, autosomal recessive. Last evaluated: 2018-06-12. Review status: criteria provided, single submitter. Criteria: Invitae Variant Classification Sherloc (09022015). Collection method: clinical testing. Allele origin: germline.
Comment: This variant results in a copy number gain of the genomic region encompassing the full coding sequence of the ARL6IP1 gene. The boundaries of this event are unknown as they extend beyond the assayed region for this gene and therefore may encompass additional genes. As the precise location of this event is unknown, it may be in tandem or it may be located elsewhere in the genome. This variant has not been reported in the literature in individuals with ARL6IP1-related disease. In summary, the available evidence is currently insufficient to determine the role of this variant in disease. Therefore, it has been classified as a Variant of Uncertain Significance.

NC_000016.9:g.(?_18804554)_(18812808_?)dup

Genes: ARL6IP1 (ARL6 interacting reticulophagy regulator 1; minus strand), LOC130058581 (ATAC-STARR-seq lymphoblastoid active region 10519; plus strand), LOC130058582 (ATAC-STARR-seq lymphoblastoid active region 10520; plus strand). Cytogenetic location: 16p12.3.
Variant type: Duplication.
Identifiers: ClinVar variation 584319 (VCV000584319.1).